The following is an entry in ClinVar:

NC_000016.10:g.(89792069_89792470)_(89816657_?)del

Gene: FANCA (FA complementation group A; minus strand). Cytogenetic location: 16q24.3.
Variant type: Deletion.
Identifiers: ClinVar variation 974083 (VCV000974083.1).

ClinVar aggregate classification (germline): Pathogenic (0 of 4 stars; one submission).

Conditions:
Fanconi anemia complementation group A (FANCA). Also called: Fanconi anemia, group A; FANCA-Related Fanconi Anemia. Identifiers: Orphanet 84, MedGen C3469521, MONDO:0009215, OMIM 227650.

Submission:

Leiden Open Variation Database
Classification: Pathogenic for Fanconi anemia complementation group A. Last evaluated: 2020-02-28. Review status: no assertion criteria provided. Collection method: curation. Allele origin: germline. Affected: yes.
Comment: Curator: Arleen D. Auerbach. Submitter to LOVD: Johan de Winter.

Literature cited by the submitters: PubMed 22778927.